The following is an entry in ClinVar:

ClinVar aggregate classification (germline): Uncertain significance (1 of 4 stars; one submission).

Allele frequency attached by ClinVar (database versions not stated): ExAC 0.00001.

Submission:

GeneDx
Classification: Uncertain significance. Last evaluated: 2022-12-13. Review status: criteria provided, single submitter. Criteria: GeneDx Variant Classification Process June 2021. Collection method: clinical testing. Allele origin: germline. Affected: yes.
Comment: Not observed at significant frequency in large population cohorts (gnomAD); In silico analysis supports that this missense variant has a deleterious effect on protein structure/function; Has not been previously published as pathogenic or benign to our knowledge

NM_031407.7(HUWE1):c.3807G>T (p.Met1269Ile)

Genes: HUWE1 (HECT, UBA and WWE domain containing E3 ubiquitin protein ligase 1; minus strand), LOC126863263 (BRD4-independent group 4 enhancer GRCh37_chrX:53619238-53620437; plus strand). Cytogenetic location: Xp11.22.
Variant type: single nucleotide variant.
Coding change: c.3807G>T on transcript NM_031407.7 (MANE Select); coding-DNA position 3807, G replaced by T.
Protein change: p.Met1269Ile; replaces methionine 1269 with isoleucine.
Molecular consequence: missense variant.
Genome position (GRCh38, 1-based): chrX:53,592,563, C>A on the plus strand (G>T on the coding strand, the complement: HUWE1 is on the minus strand). VCF-style: chrX-53592563-C-A. GRCh37 (hg19) VCF-style: chrX-53619523-C-A.
Other names: short protein forms M1269I.
Identifiers: ClinVar variation 2505941 (VCV002505941.1), dbSNP rs782558324, ClinGen allele CA10422504.